The following is an entry in ClinVar:

NM_000138.5(FBN1):c.6038-15_6038-14del

Gene: FBN1 (fibrillin 1; minus strand). Cytogenetic location: 15q21.1.
Variant type: Deletion.
Coding change: c.6038-15_6038-14del on transcript NM_000138.5 (MANE Select); 15 bases into the intron before coding-DNA position 6038 through 14 bases into the intron before coding-DNA position 6038, 2 bases deleted (AT; older notation c.6038-15_6038-14delAT).
Molecular consequence: intron variant.
Genome position (GRCh38, 1-based): chr15:48,441,860-48,441,861, AT deleted on the plus strand (AT on the coding strand, the reverse complement: FBN1 is on the minus strand). VCF-style (leftmost placement, unchanged base first): chr15-48441859-CAT-C. GRCh37 (hg19) VCF-style: chr15-48734056-CAT-C.
Other names: c.6038-15_6038-14delAT (NM_000138.5).
Identifiers: ClinVar variation 510521 (VCV000510521.13), dbSNP rs752198920, ClinGen allele CA056057.

ClinVar aggregate classification (germline): Benign/Likely benign. Review status: criteria provided, multiple submitters, no conflicts (2 of 4 stars). 7 submissions from 7 submitters: Benign (1); Likely benign (5). 1 of the submissions does not count toward it. Last evaluated 2026-06-09.

Conditions:
Familial thoracic aortic aneurysm and aortic dissection (TAAD). Also called: Thoracic aortic aneurysms and dissections. Identifiers: Orphanet 91387, MedGen C4707243, MONDO:0019625.
Marfan syndrome (MFS). Also called: Marfan syndrome type 1; Marfan syndrome, classic; Marfan's syndrome; FBN1-Related Marfan Syndrome; MARFAN SYNDROME, TYPE I. Identifiers: Orphanet 284963, Orphanet 558, MedGen C0024796, MONDO:0007947, OMIM 154700.

Allele frequency attached by ClinVar (database versions not stated): gnomAD exomes 0.00007 and 0.00004; ExAC 0.00007; gnomAD 0.00008 and 0.00007; TOPMed 0.00008.

Submissions (7):

Women's Health and Genetics/Laboratory Corporation of America, LabCorp
Classification: Benign. Last evaluated: 2026-06-09. Review status: criteria provided, single submitter. Criteria: LabCorp Variant Classification Summary - May 2015. Collection method: clinical testing. Allele origin: germline.
Comment: Variant summary: FBN1 c.6038-15_6038-14delAT alters a nucleotide located at a position not widely known to affect splicing. Consensus agreement among computation tools predict no significant impact on normal splicing. However, these predictions have yet to be confirmed by functional studies. The variant allele was found at a frequency of 6.5e-05 in 1605742 control chromosomes, predominantly at a frequency of 0.00015 within the African or African-American subpopulation in the gnomAD database. The observed variant frequency within African or African-American control individuals in the gnomAD database exceeds the estimated maximal expected allele frequency for disease-causing variants in FBN1. To our knowledge, no occurrence of c.6038-15_6038-14delAT in individuals affected with FBN1-related conditions and no experimental evidence demonstrating its impact on protein function have been reported. ClinVar contains an entry for this variant (Variation ID: 510521). Based on the evidence outlined above, the variant was classified as benign.

Labcorp Genetics (formerly Invitae), Labcorp
Classification: Likely benign for Marfan syndrome; Familial thoracic aortic aneurysm and aortic dissection. Last evaluated: 2026-01-09. Review status: criteria provided, single submitter. Criteria: Invitae Variant Classification Sherloc (09022015). Collection method: clinical testing. Allele origin: germline.

Blueprint Genetics
Classification: Likely benign. Last evaluated: 2024-03-16. Review status: criteria provided, single submitter. Criteria: ACMG Guidelines, 2015. Collection method: clinical testing. Allele origin: germline.

All of Us Research Program, National Institutes of Health
Classification: Likely benign for Marfan syndrome. Last evaluated: 2024-01-08. Review status: criteria provided, single submitter. Criteria: ACMG Guidelines, 2015. Collection method: clinical testing. Allele origin: germline. Inheritance: Autosomal dominant inheritance. Observed: 17 variant alleles, 17 heterozygotes.
Comment: This study involves interpretation of variants in research participants for the purpose of population health screening. Participant phenotype was not available at the time of variant classification. Additional details can be found in publication PMID: 35346344, PMCID: PMC8962531

Color Diagnostics, LLC DBA Color Health
Classification: Likely benign for Familial thoracic aortic aneurysm and aortic dissection. Last evaluated: 2018-08-21. Review status: criteria provided, single submitter. Criteria: ACMG Guidelines, 2015. Collection method: clinical testing. Allele origin: germline.

GeneDx
Classification: Likely benign. Last evaluated: 2017-06-26. Review status: criteria provided, single submitter. Criteria: GeneDx Variant Classification (06012015). Collection method: clinical testing. Allele origin: germline. Affected: yes.
Comment: This variant is considered likely benign or benign based on one or more of the following criteria: it is a conservative change, it occurs at a poorly conserved position in the protein, it is predicted to be benign by multiple in silico algorithms, and/or has population frequency not consistent with disease.

Center for Medical Genetics Ghent, University of Ghent
Classification: Uncertain significance for Marfan syndrome. Last evaluated: 2017-11-07. Review status: no assertion criteria provided. Collection method: clinical testing. Allele origin: de novo. Affected: yes. Not counted in ClinVar's aggregate classification.